The following is an entry in ClinVar:

NM_032977.4(CASP10):c.*2831C>T

Gene: CASP10 (caspase 10; plus strand). Cytogenetic location: 2q33.1.
Variant type: single nucleotide variant.
Coding change: c.*2831C>T on transcript NM_032977.4 (MANE Select); 2831 bases downstream of the stop codon, C replaced by T.
Molecular consequence: 3 prime UTR variant. On other transcripts: intron variant (2).
Genome position (GRCh38, 1-based): chr2:201,220,572, C>T. VCF-style: chr2-201220572-C-T. GRCh37 (hg19) VCF-style: chr2-202085295-C-T.
Other names: c.*2831C>T (NM_001206524.2, NM_001230.5); c.*3486C>T (NM_032976.4); c.1416-8361C>T (NM_032974.5); c.1287-8361C>T (NM_001206542.2).
Identifiers: ClinVar variation 333482 (VCV000333482.5), dbSNP rs151162733, ClinGen allele CA10613775.

ClinVar aggregate classification (germline): Benign (1 of 4 stars; one submission).

Conditions:
Autoimmune lymphoproliferative syndrome type 2A (ALPS2A). Also called: CASP10-Related Autoimmune Lymphoproliferative Syndrome; AUTOIMMUNE LYMPHOPROLIFERATIVE SYNDROME, TYPE IIA; Autoimmune lymphoproliferative syndrome type 2. Identifiers: Orphanet 3261, MedGen C1858968, MONDO:0011383, OMIM 603909.

Allele frequency attached by ClinVar (database versions not stated): gnomAD exomes 0.00069; TOPMed 0.00517; gnomAD 0.00535; 1000 Genomes Project 30x 0.00547; 1000 Genomes Project 0.00599.
gnomAD v4.1: 806 of 176,362 alleles (0.46%); highest among the groups gnomAD compares: African/African-American, 1.8%; 6 homozygotes.

Submission:

Illumina Laboratory Services, Illumina
Classification: Benign for Autoimmune lymphoproliferative syndrome type 2A. Last evaluated: 2018-01-12. Review status: criteria provided, single submitter. Criteria: ICSL Variant Classification Criteria 13 December 2019. Collection method: clinical testing. Allele origin: germline.
Comment: This variant was observed in the ICSL laboratory as part of a predisposition screen in an ostensibly healthy population. It had not been previously curated by ICSL or reported in the Human Gene Mutation Database (HGMD: prior to June 1st, 2018), and was therefore a candidate for classification through an automated scoring system. Utilizing variant allele frequency, disease prevalence and penetrance estimates, and inheritance mode, an automated score was calculated to assess if this variant is too frequent to cause the disease. Based on the score and internal cut-off values, a variant classified as benign is not then subjected to further curation. The score for this variant resulted in a classification of benign for this disease.